The following is an entry in ClinVar:

NM_001363711.2(DUOX2):c.4156G>A (p.Gly1386Ser)

Gene: DUOX2 (dual oxidase 2; minus strand). Cytogenetic location: 15q21.1.
Variant type: single nucleotide variant.
Coding change: c.4156G>A on transcript NM_001363711.2 (MANE Select); coding-DNA position 4156, G replaced by A.
Protein change: p.Gly1386Ser; replaces glycine 1386 with serine.
Molecular consequence: missense variant.
Genome position (GRCh38, 1-based): chr15:45,095,520, C>T on the plus strand (G>A on the coding strand, the complement: DUOX2 is on the minus strand). VCF-style: chr15-45095520-C-T. GRCh37 (hg19) VCF-style: chr15-45387718-C-T.
Other names: c.4156G>A, p.Gly1386Ser (NM_014080.5); short protein forms G1386S.
Identifiers: ClinVar variation 1906744 (VCV001906744.4), dbSNP rs139584933, ClinGen allele CA7537609.

ClinVar aggregate classification (germline): Uncertain significance (1 of 4 stars; one submission).

Allele frequency attached by ClinVar (database versions not stated): ExAC 0.00001; TOPMed 0.00001; ESP Exome Variant Server 0.00008.
gnomAD v4.1: 46 of 1,614,182 alleles (0.0028%); highest among the groups gnomAD compares: Non-Finnish European, 0.0037%; no homozygotes.

Submission:

Labcorp Genetics (formerly Invitae), Labcorp
Classification: Uncertain significance. Last evaluated: 2024-07-30. Review status: criteria provided, single submitter. Criteria: Invitae Variant Classification Sherloc (09022015). Collection method: clinical testing. Allele origin: germline.
Comment: This sequence change replaces glycine, which is neutral and non-polar, with serine, which is neutral and polar, at codon 1386 of the DUOX2 protein (p.Gly1386Ser). This variant is present in population databases (rs139584933, gnomAD 0.003%). This missense change has been observed in individual(s) with congenital hypothyroidism (PMID: 34248839). ClinVar contains an entry for this variant (Variation ID: 1906744). Advanced modeling of protein sequence and biophysical properties (such as structural, functional, and spatial information, amino acid conservation, physicochemical variation, residue mobility, and thermodynamic stability) performed at Invitae indicates that this missense variant is expected to disrupt DUOX2 protein function with a positive predictive value of 80%. In summary, the available evidence is currently insufficient to determine the role of this variant in disease. Therefore, it has been classified as a Variant of Uncertain Significance.

Literature cited by the submitters: PubMed 34248839.